The following is an entry in ClinVar:

NM_198282.4(STING1):c.952G>T (p.Ala318Ser)

Gene: STING1 (stimulator of interferon response cGAMP interactor 1; minus strand). Cytogenetic location: 5q31.2.
Variant type: single nucleotide variant.
Coding change: c.952G>T on transcript NM_198282.4 (MANE Select); coding-DNA position 952, G replaced by T.
Protein change: p.Ala318Ser; replaces alanine 318 with serine.
Molecular consequence: missense variant. On other transcripts: synonymous variant (1).
Genome position (GRCh38, 1-based): chr5:139,476,449, C>A on the plus strand (G>T on the coding strand, the complement: STING1 is on the minus strand). VCF-style: chr5-139476449-C-A. GRCh37 (hg19) VCF-style: chr5-138856034-C-A.
Other names: c.952G>T, p.Ala318Ser (LRG_1308t1); c.765G>T, p.Leu255= (NM_001301738.2); c.595G>T, p.Ala199Ser (NM_001367258.1); short protein forms A318S, A199S.
Identifiers: ClinVar variation 581686 (VCV000581686.9), dbSNP rs1561482019, ClinGen allele CA361479364.

ClinVar aggregate classification (germline): Uncertain significance (1 of 4 stars; one submission).

Conditions:
STING-associated vasculopathy with onset in infancy. Also called: Sting-associated vasculopathy, infantile-onset. Identifiers: Orphanet 425120, MedGen C4014722, MONDO:0014405, OMIM 615934.

gnomAD v4.1: 2 of 1,612,128 alleles (0.00012%); highest among the groups gnomAD compares: East Asian, 0.0022%; no homozygotes.

Submission:

Labcorp Genetics (formerly Invitae), Labcorp
Classification: Uncertain significance for STING-associated vasculopathy with onset in infancy. Last evaluated: 2024-11-06. Review status: criteria provided, single submitter. Criteria: Invitae Variant Classification Sherloc (09022015). Collection method: clinical testing. Allele origin: germline.
Comment: This sequence change replaces alanine, which is neutral and non-polar, with serine, which is neutral and polar, at codon 318 of the TMEM173 protein (p.Ala318Ser). This variant is not present in population databases (gnomAD no frequency). This variant has not been reported in the literature in individuals affected with TMEM173-related conditions. ClinVar contains an entry for this variant (Variation ID: 581686). Invitae Evidence Modeling of protein sequence and biophysical properties (such as structural, functional, and spatial information, amino acid conservation, physicochemical variation, residue mobility, and thermodynamic stability) indicates that this missense variant is not expected to disrupt TMEM173 protein function with a negative predictive value of 80%. In summary, the available evidence is currently insufficient to determine the role of this variant in disease. Therefore, it has been classified as a Variant of Uncertain Significance.